The following is an entry in ClinVar:

NM_000059.4(BRCA2):c.3264T>C (p.Pro1088=)

Gene: BRCA2 (BRCA2 DNA repair associated; plus strand). Cytogenetic location: 13q13.1.
Variant type: single nucleotide variant.
Coding change: c.3264T>C on transcript NM_000059.4 (MANE Select); coding-DNA position 3264, T replaced by C.
Protein change: p.Pro1088=; no amino-acid change (proline 1088 retained).
Molecular consequence: synonymous variant.
Genome position (GRCh38, 1-based): chr13:32,337,619, T>C. VCF-style: chr13-32337619-T-C. GRCh37 (hg19) VCF-style: chr13-32911756-T-C.
Other names: P1088P; 3492 T>C; NP_000050.3:p.Pro1088=.
Identifiers: ClinVar variation 51435 (VCV000051435.117), dbSNP rs36060526, ClinGen allele CA017665.
Genomic context (GRCh38, chr13:32,337,619, plus strand): 5'-ATCTGCACATTTACAGAGTAGTGTAGTTGTTTCTGATTGTAAAAATAGTCATATAACCCC[T>C]CAGATGTTATTTTCCAAGCAGGATTTTAATTCAAACCATAATTTAACACCTAGCCAAAAG-3'
Protein context (NP_000050.3, residues 1078-1098): VSDCKNSHIT[Pro1088=]QMLFSKQDFN

ClinVar aggregate classification (germline): Benign. Review status: reviewed by expert panel (3 of 4 stars). 36 submissions from 34 submitters: Benign (1). 35 of the submissions do not count toward it. Last evaluated 2015-01-12.

Conditions:
Hereditary cancer-predisposing syndrome. Also called: Neoplastic Syndromes, Hereditary; Tumor predisposition; Hereditary Cancer Syndrome; Hereditary neoplastic syndrome. Identifiers: Orphanet 140162, MedGen C0027672, MeSH D009386, MONDO:0015356.
Glioma susceptibility 3 (GLM3). Also called: Glioblastoma 3. Identifiers: Orphanet 182067, Orphanet 360, MedGen C2751641, MONDO:0013093, OMIM 613029.
Wilms tumor 1 (WT1). Also called: Wilms tumor, somatic. Identifiers: Orphanet 654, MedGen CN033288, MONDO:0008679, OMIM 194070.
Familial cancer of breast. Also called: Hereditary breast cancer; BREAST CANCER, FAMILIAL; hereditary breast carcinoma. Identifiers: Orphanet 227535, MedGen C0346153, MONDO:0016419, OMIM 114480. Disease mechanism: loss of function.
Prostate cancer. Also called: Malignant tumor of prostate. Identifiers: Orphanet 1331, MedGen C0376358, MONDO:0008315, HP:0012125.
Breast-ovarian cancer, familial, susceptibility to, 2 (BROVCA2). Also called: BRCA2 Hereditary Breast and Ovarian Cancer. Identifiers: Orphanet 145, MedGen C2675520, MONDO:0012933, OMIM 612555. Disease mechanism: loss of function.
Fanconi anemia complementation group D1. Also called: BRCA2-Related Fanconi Anemia. Identifiers: Orphanet 319462, MedGen C1838457, MONDO:0011584, OMIM 605724.
Medulloblastoma (MDB). Also called: Medulloblastoma, somatic; MEDULLOBLASTOMA PREDISPOSITION SYNDROME. Identifiers: Orphanet 616, MedGen C0025149, MeSH D008527, MONDO:0007959, OMIM 155255, HP:0002885.
Pancreatic cancer, susceptibility to, 2. Identifiers: Orphanet 1333, MedGen C3150546, MONDO:0013235, OMIM 613347.
Breast and/or ovarian cancer. Identifiers: MedGen CN221562.
Hereditary breast ovarian cancer syndrome. Also called: Hereditary breast and/or ovarian cancer syndrome; Hereditary breast and ovarian cancer syndrome; Hereditary breast and ovarian cancer; Hereditary breast and ovarian cancer syndrome (HBOC); Breast and ovarian cancer; BRCA1- and BRCA2-Associated Hereditary Breast and Ovarian Cancer. Identifiers: Orphanet 145, MedGen C0677776, MeSH D061325, MONDO:0003582. Disease mechanism: loss of function.
Malignant tumor of breast. Also called: Malignant breast neoplasm; Cancer breast. Identifiers: MedGen C0006142, MONDO:0007254. Disease mechanism: loss of function.

Allele frequency attached by ClinVar (database versions not stated): ExAC 0.00238; 1000 Genomes Project 0.00679; gnomAD 0.00726 and 0.00793; 1000 Genomes Project 30x 0.00734; ESP Exome Variant Server 0.00756; TOPMed 0.00807; gnomAD exomes 0.00066 and 0.00190.
gnomAD v4.1: 2,099 of 1,589,920 alleles (0.13%); highest among the groups gnomAD compares: African/African-American, 2.5%; 24 homozygotes.

Submissions 1 to 17 of 36:

Evidence-based Network for the Interpretation of Germline Mutant Alleles (ENIGMA)
Classification: Benign for Breast-ovarian cancer, familial 2. Last evaluated: 2015-01-12. Review status: reviewed by expert panel. Criteria: ENIGMA BRCA1/2 Classification Criteria (2015). Collection method: curation. Allele origin: germline.
Comment: Class 1 not pathogenic based on frequency >1% in an outbred sampleset. Frequency 0.02642 (African), derived from 1000 genomes (2012-04-30).

CeGaT Center for Human Genetics Tuebingen
Classification: Benign. Last evaluated: 2026-08-01. Review status: criteria provided, single submitter. Criteria: CeGaT Center For Human Genetics Tuebingen Variant Classification Criteria Version 2. Collection method: clinical testing. Allele origin: germline. Affected: yes. Observed: 8 variant alleles. Not counted in ClinVar's aggregate classification.
Comment: BRCA2: BP4, BP7, BS1, BS2

Labcorp Genetics (formerly Invitae), Labcorp
Classification: Benign for Hereditary breast ovarian cancer syndrome. Last evaluated: 2026-02-04. Review status: criteria provided, single submitter. Criteria: Invitae Variant Classification Sherloc (09022015). Collection method: clinical testing. Allele origin: germline. Not counted in ClinVar's aggregate classification.

ARUP Laboratories, Molecular Genetics and Genomics, ARUP Laboratories
Classification: Benign. Last evaluated: 2025-04-01. Review status: criteria provided, single submitter. Criteria: ARUP Molecular Germline Variant Investigation Process 2024. Collection method: clinical testing. Allele origin: germline. Not counted in ClinVar's aggregate classification.

Center for Genomic Medicine, Rigshospitalet, Copenhagen University Hospital
Classification: Benign. Last evaluated: 2025-03-04. Review status: criteria provided, single submitter. Criteria: ACMG Guidelines, 2015. Collection method: clinical testing. Allele origin: germline. Not counted in ClinVar's aggregate classification.

KCCC/NGS Laboratory, Kuwait Cancer Control Center
Classification: Benign for Familial cancer of breast. Last evaluated: 2025-02-01. Review status: criteria provided, single submitter. Criteria: ACMG Guidelines, 2015. Collection method: clinical testing. Allele origin: germline. Affected: no. Not counted in ClinVar's aggregate classification.

Dasa
Classification: Benign for Breast-ovarian cancer, familial, susceptibility to, 2. Last evaluated: 2024-12-07. Review status: criteria provided, single submitter. Criteria: DASA Assertion Criteria. Collection method: clinical testing. Allele origin: germline. Not counted in ClinVar's aggregate classification.
Comment: NM_000059.4(BRCA2):c.3264T>C (p.Pro1088=) is interpreted as benign based on a combination of available evidence, which may include population frequency, observations in unaffected individuals, intact protein function, lack of segregation with disease, in silico models, amino acid conservation, lack of disease association in case-control studies, and/or inconsistency with the known disease mechanism or impacted region. Based on the available data, this variant is classified as benign.

Blueprint Genetics
Classification: Likely benign. Last evaluated: 2024-11-25. Review status: criteria provided, single submitter. Criteria: ACMG Guidelines, 2015. Collection method: clinical testing. Allele origin: germline. Not counted in ClinVar's aggregate classification.

KCCC/NGS Laboratory, Kuwait Cancer Control Center
Classification: Benign for Breast-ovarian cancer, familial, susceptibility to, 2. Last evaluated: 2023-07-07. Review status: criteria provided, single submitter. Criteria: ACMG Guidelines, 2015. Collection method: clinical testing. Allele origin: germline. Affected: yes. Not counted in ClinVar's aggregate classification.

National Health Laboratory Service, Universitas Academic Hospital and University of the Free State
Classification: Benign for Hereditary breast ovarian cancer syndrome. Last evaluated: 2022-04-19. Review status: criteria provided, single submitter. Criteria: ACMG Guidelines, 2015. Collection method: clinical testing. Allele origin: germline. Affected: yes. Observed: 51 variant alleles. Not counted in ClinVar's aggregate classification.

Fulgent Genetics
Classification: Likely benign for Familial cancer of breast; Medulloblastoma; Familial prostate cancer; Wilms tumor 1; Fanconi anemia complementation group D1; Breast-ovarian cancer, familial, susceptibility to, 2; Glioma susceptibility 3; Pancreatic cancer, susceptibility to, 2. Last evaluated: 2022-04-13. Review status: criteria provided, single submitter. Criteria: ACMG Guidelines, 2015. Collection method: clinical testing. Allele origin: unknown. Not counted in ClinVar's aggregate classification.

Genetics Program, Instituto Nacional de Cancer
Classification: Benign for Hereditary breast ovarian cancer syndrome. Last evaluated: 2021-11-01. Review status: criteria provided, single submitter. Criteria: ACMG Guidelines, 2015. Collection method: research. Allele origin: germline. Affected: yes. Not counted in ClinVar's aggregate classification.

Sema4
Classification: Benign for Hereditary cancer-predisposing syndrome. Last evaluated: 2020-06-25. Review status: criteria provided, single submitter. Criteria: Sema4 Curation Guidelines. Collection method: curation. Allele origin: germline. Not counted in ClinVar's aggregate classification.

Illumina Laboratory Services, Illumina
Classification: Likely benign for Fanconi anemia complementation group D1. Last evaluated: 2018-01-19. Review status: criteria provided, single submitter. Criteria: ICSL Variant Classification Criteria 13 December 2019. Collection method: clinical testing. Allele origin: germline. Not counted in ClinVar's aggregate classification.
Comment: This variant was observed as part of a predisposition screen in an ostensibly healthy population. A literature search was performed for the gene, cDNA change, and amino acid change (where applicable). No publications were found based on this search. Allele frequency data from public databases allowed determination this variant is unlikely to cause disease. Therefore, this variant is classified as likely benign.

Illumina Laboratory Services, Illumina
Classification: Likely benign for Breast-ovarian cancer, familial, susceptibility to, 2. Last evaluated: 2018-01-19. Review status: criteria provided, single submitter. Criteria: ICSL Variant Classification Criteria 13 December 2019. Collection method: clinical testing. Allele origin: germline. Not counted in ClinVar's aggregate classification.
Comment: This variant was observed as part of a predisposition screen in an ostensibly healthy population. A literature search was performed for the gene, cDNA change, and amino acid change (where applicable). Publications were found based on this search. The evidence from the literature, in combination with allele frequency data from public databases where available, was sufficient to determine this variant is unlikely to cause disease. Therefore, this variant is classified as likely benign.

Genome Diagnostics Laboratory, University Medical Center Utrecht
Classification: Likely benign for Breast-ovarian cancer, familial, susceptibility to, 2. Last evaluated: 2017-07-28. Review status: criteria provided, single submitter. Criteria: ACGS Guidelines, 2013. Collection method: clinical testing. Allele origin: germline. Affected: yes. Study: VKGL Data-share Consensus. Not counted in ClinVar's aggregate classification.

Institute for Biomarker Research, Medical Diagnostic Laboratories, L.L.C.
Classification: Likely benign for Hereditary cancer-predisposing syndrome. Last evaluated: 2017-07-12. Review status: criteria provided, single submitter. Criteria: ACMG Guidelines, 2015. Collection method: clinical testing. Allele origin: germline. Not counted in ClinVar's aggregate classification.